The following is an entry in ClinVar:

NM_080546.5(SLC44A1):c.577A>G (p.Thr193Ala)

Gene: SLC44A1 (solute carrier family 44 member 1; plus strand). Cytogenetic location: 9q31.1.
Variant type: single nucleotide variant.
Coding change: c.577A>G on transcript NM_080546.5 (MANE Select); coding-DNA position 577, A replaced by G.
Protein change: p.Thr193Ala; replaces threonine 193 with alanine.
Molecular consequence: missense variant.
Genome position (GRCh38, 1-based): chr9:105,356,288, A>G. VCF-style: chr9-105356288-A-G. GRCh37 (hg19) VCF-style: chr9-108118569-A-G.
Other names: p.Thr193Ala; c.577A>G, p.Thr193Ala (NM_001286730.2, NM_001330731.2); c.577A>G (NM_080546.4); short protein forms T193A.
Identifiers: ClinVar variation 4683415 (VCV004683415.2).
Genomic context (GRCh38, chr9:105,356,288, plus strand): 5'-TTCCATCGCTGTGCTCCTGTGAACATTTCCTGCTATGCCAAGTTTGCAGAGGCCCTGATC[A>G]CCTTTGTCAGTGACAATAGTGTCTTACACAGGCTGATTAGTGGAGTAATGACCAGCAAAG-3'
Protein context (NP_536856.2, residues 183-203): CYAKFAEALI[Thr193Ala]FVSDNSVLHR

ClinVar aggregate classification (germline): Benign. Review status: criteria provided, multiple submitters, no conflicts (2 of 4 stars). 2 submissions from 2 submitters: Benign (2). Last evaluated 2025-04-18.

Conditions:
SLC44A1-related disorder. Also called: SLC44A1-related condition.

gnomAD v4.1: 22,529 of 1,612,834 alleles (1.4%); highest among the groups gnomAD compares: Non-Finnish European, 1.7%; 226 homozygotes.

Submissions (2):

PreventionGenetics, part of Exact Sciences
Classification: Benign for SLC44A1-related condition. Last evaluated: 2025-04-18. Review status: criteria provided, single submitter. Criteria: ACMG Guidelines, 2015. Collection method: clinical testing. Allele origin: germline.
Comment: This variant is classified as benign based on ACMG/AMP sequence variant interpretation guidelines (Richards et al. 2015 PMID: 25741868, with internal and published modifications).

Mayo Clinic Laboratories, Mayo Clinic
Classification: Benign. Last evaluated: 2023-05-09. Review status: criteria provided, single submitter. Criteria: ACMG Guidelines, 2015. Collection method: clinical testing. Allele origin: germline. Observed: 9 variant alleles.
Comment: BS1, BS2